The following is an entry in ClinVar:

ClinVar aggregate classification (germline): Pathogenic. Review status: criteria provided, multiple submitters, no conflicts (2 of 4 stars). 2 submissions from 2 submitters: Pathogenic (2). Last evaluated 2025-03-01.

Conditions:
Osteogenesis imperfecta type I (OI1). Also called: OI, TYPE I; OSTEOGENESIS IMPERFECTA TARDA; OSTEOGENESIS IMPERFECTA WITH BLUE SCLERAE; Osteogenesis imperfecta type 1; Lobstein's Disease; Classic Non-deforming Osteogenesis Imperfecta with Blue Sclerae. Identifiers: Orphanet 216796, Orphanet 666, MedGen C0023931, MONDO:0008146, OMIM 166200. Disease mechanism: loss of function.

Submissions (2):

Laboratory of Genetic Skeletal Anomaly, Seoul National University Children's Hospital
Classification: Pathogenic for Osteogenesis imperfecta type I. Last evaluated: 2025-03-01. Review status: criteria provided, single submitter. Criteria: ACMG Guidelines, 2015. Collection method: research. Allele origin: germline. Affected: yes.
Comment: This variant is a novel variant not previously reported in the literature or population databases. It was classified based on available in silico predictions and absence from gnomAD.

Labcorp Genetics (formerly Invitae), Labcorp
Classification: Pathogenic for Osteogenesis imperfecta type I. Last evaluated: 2021-03-07. Review status: criteria provided, single submitter. Criteria: Invitae Variant Classification Sherloc (09022015). Collection method: clinical testing. Allele origin: germline.
Comment: This sequence change creates a premature translational stop signal (p.Arg304Valfs*237) in the COL1A1 gene. It is expected to result in an absent or disrupted protein product. Loss-of-function variants in COL1A1 are known to be pathogenic (PMID: 7942841, 9295084, 9443882). This variant is not present in population databases (ExAC no frequency). This variant has not been reported in the literature in individuals with COL1A1-related conditions. For these reasons, this variant has been classified as Pathogenic.

Literature cited by the submitters: PubMed 7942841 (cited by Labcorp Genetics (formerly Invitae), Labcorp); PubMed 9295084 (cited by Labcorp Genetics (formerly Invitae), Labcorp); PubMed 9443882 (cited by Labcorp Genetics (formerly Invitae), Labcorp).

NM_000088.4(COL1A1):c.910del (p.Arg304fs)

Genes: COL1A1 (collagen type I alpha 1 chain; minus strand), LOC126862586 (CDK7 strongly-dependent group 2 enhancer GRCh37_chr17:48273702-48274901; plus strand). Cytogenetic location: 17q21.33.
Variant type: Deletion.
Coding change: c.910del on transcript NM_000088.4 (MANE Select); coding-DNA position 910, one base deleted (C; older notation c.910delC).
Protein change: p.Arg304fs; shifts the reading frame from arginine 304.
Molecular consequence: frameshift variant.
Genome position (GRCh38, 1-based): chr17:50,196,361, G deleted on the plus strand (C on the coding strand, the reverse complement: COL1A1 is on the minus strand); the first of 5 consecutive G bases (chr17:50,196,361-50,196,365); deleting any one gives the same sequence. VCF-style (leftmost placement, unchanged base first): chr17-50196360-CG-C. GRCh37 (hg19) VCF-style: chr17-48273721-CG-C.
Other names: c.910delC (NM_000088.4); short protein forms R304fs.
Identifiers: ClinVar variation 1409814 (VCV001409814.6), dbSNP rs2144580791, ClinGen allele CA2573154217.